The following is an entry in ClinVar:

NM_002880.4(RAF1):c.884G>T (p.Ser295Ile)

Gene: RAF1 (Raf-1 proto-oncogene, serine/threonine kinase; minus strand). Cytogenetic location: 3p25.2.
Variant type: single nucleotide variant.
Coding change: c.884G>T on transcript NM_002880.4 (MANE Select); coding-DNA position 884, G replaced by T.
Protein change: p.Ser295Ile; replaces serine 295 with isoleucine.
Molecular consequence: missense variant. On other transcripts: non-coding transcript variant (3).
Genome position (GRCh38, 1-based): chr3:12,600,258, C>A on the plus strand (G>T on the coding strand, the complement: RAF1 is on the minus strand). VCF-style: chr3-12600258-C-A. GRCh37 (hg19) VCF-style: chr3-12641757-C-A.
Other names: c.944G>T, p.Ser315Ile (NM_001354689.3); c.884G>T, p.Ser295Ile (NM_001354690.3); c.641G>T, p.Ser214Ile (NM_001354691.3, NM_001354692.3); c.785G>T, p.Ser262Ile (NM_001354693.3); c.701G>T, p.Ser234Ile (NM_001354694.3); c.542G>T, p.Ser181Ile (NM_001354695.3); short protein forms S181I, S214I, S234I, S262I, S295I, S315I.
Identifiers: ClinVar variation 4809602 (VCV004809602.1).

ClinVar aggregate classification (germline): Uncertain significance (1 of 4 stars; one submission).

Conditions:
RASopathy. Also called: rasopathies; Noonan spectrum disorder. Identifiers: Orphanet 536391, MedGen C5555857, MONDO:0021060.

Submission:

Labcorp Genetics (formerly Invitae), Labcorp
Classification: Uncertain significance for RASopathy. Last evaluated: 2025-02-20. Review status: criteria provided, single submitter. Criteria: Invitae Variant Classification Sherloc (09022015). Collection method: clinical testing. Allele origin: germline.
Comment: This sequence change replaces serine, which is neutral and polar, with isoleucine, which is neutral and non-polar, at codon 295 of the RAF1 protein (p.Ser295Ile). This variant is not present in population databases (gnomAD no frequency). This variant has not been reported in the literature in individuals affected with RAF1-related conditions. Invitae Evidence Modeling incorporating data from in vitro experimental studies (internal data) indicates that this missense variant is not expected to disrupt RAF1 function with a negative predictive value of 80%. In summary, the available evidence is currently insufficient to determine the role of this variant in disease. Therefore, it has been classified as a Variant of Uncertain Significance.